The following is an entry in ClinVar:

NM_172107.4(KCNQ2):c.1764-6C>T

Gene: KCNQ2 (potassium voltage-gated channel subfamily Q member 2; minus strand). Cytogenetic location: 20q13.33.
Variant type: single nucleotide variant.
Coding change: c.1764-6C>T on transcript NM_172107.4 (MANE Select); 6 bases into the intron before coding-DNA position 1764, C replaced by T.
Molecular consequence: intron variant.
Genome position (GRCh38, 1-based): chr20:63,408,542, G>A on the plus strand (C>T on the coding strand, the complement: KCNQ2 is on the minus strand). VCF-style: chr20-63408542-G-A. GRCh37 (hg19) VCF-style: chr20-62039895-G-A.
Other names: c.1680-6C>T (NM_004518.6); c.1671-6C>T (NM_172108.5); c.1710-6C>T (NM_172106.3).
Identifiers: ClinVar variation 215971 (VCV000215971.47), dbSNP rs118192239, ClinGen allele CA337999.
Genomic context (GRCh38, chr20:63,408,542, plus strand): 5'-CTTGGTGCGGTCCTTGTCCGTGATCGCTGGGCCCCGCCCCACGATCTGGTCCACTCTACC[G>A]GGAACAGAGACCCCAAAGCATGAGTTCGGGTGGGTGCAGCAGGGCCCCTGCCCTCTCCTC-3'

ClinVar aggregate classification (germline): Likely benign. Review status: criteria provided, multiple submitters, no conflicts (2 of 4 stars). 5 submissions from 5 submitters: Likely benign (5). Last evaluated 2025-05-11.

Conditions:
Inborn genetic diseases. Identifiers: MedGen C0950123, MeSH D030342.
Early-infantile DEE. Also called: Ohtahara syndrome; Early infantile epileptic encephalopathy; Early infantile epileptic encephalopathy with suppression bursts. Identifiers: Orphanet 1934, MedGen C0393706, MONDO:0800491.

Allele frequency attached by ClinVar (database versions not stated): TOPMed 0.00003; gnomAD 0.00006 and 0.00007; gnomAD exomes 0.00009 and 0.00012; ExAC 0.00016; ESP Exome Variant Server 0.00023; 1000 Genomes Project 30x 0.00031; 1000 Genomes Project 0.00040.
gnomAD v4.1: 137 of 1,610,556 alleles (0.0085%); highest among the groups gnomAD compares: South Asian, 0.045%; no homozygotes.

Submissions (5):

Labcorp Genetics (formerly Invitae), Labcorp
Classification: Likely benign for Early-infantile DEE. Last evaluated: 2025-05-11. Review status: criteria provided, single submitter. Criteria: Invitae Variant Classification Sherloc (09022015). Collection method: clinical testing. Allele origin: germline.

Ambry Genetics
Classification: Likely benign for Inborn genetic diseases. Last evaluated: 2025-04-22. Review status: criteria provided, single submitter. Criteria: Ambry Variant Classification Scheme 2023. Collection method: clinical testing. Allele origin: germline.

Blueprint Genetics
Classification: Likely benign. Last evaluated: 2024-01-05. Review status: criteria provided, single submitter. Criteria: ACMG Guidelines, 2015. Collection method: clinical testing. Allele origin: germline.

CeGaT Center for Human Genetics Tuebingen
Classification: Likely benign. Last evaluated: 2021-07-01. Review status: criteria provided, single submitter. Criteria: CeGaT Center For Human Genetics Tuebingen Variant Classification Criteria Version 2. Collection method: clinical testing. Allele origin: germline. Affected: yes. Observed: 1 variant allele.

GeneDx
Classification: Likely benign. Last evaluated: 2017-08-22. Review status: criteria provided, single submitter. Criteria: GeneDx Variant Classification (06012015). Collection method: clinical testing. Allele origin: germline. Affected: yes.
Comment: This variant is considered likely benign or benign based on one or more of the following criteria: it is a conservative change, it occurs at a poorly conserved position in the protein, it is predicted to be benign by multiple in silico algorithms, and/or has population frequency not consistent with disease.